The following is an entry in ClinVar:

ClinVar aggregate classification (germline): Pathogenic. Review status: criteria provided, multiple submitters, no conflicts (2 of 4 stars). 5 submissions from 5 submitters: Pathogenic (4). 1 of the submissions does not count toward it. Last evaluated 2023-12-06.

Conditions:
Autosomal recessive nonsyndromic hearing loss 3. Also called: NEUROSENSORY NONSYNDROMIC RECESSIVE DEAFNESS 3. Identifiers: Orphanet 90636, MedGen C1838263, MONDO:0010860, OMIM 600316.

Submissions (5):

Labcorp Genetics (formerly Invitae), Labcorp
Classification: Pathogenic. Last evaluated: 2023-12-06. Review status: criteria provided, single submitter. Criteria: Invitae Variant Classification Sherloc (09022015). Collection method: clinical testing. Allele origin: germline.
Comment: This sequence change creates a premature translational stop signal (p.Ser3474Profs*42) in the MYO15A gene. While this is not anticipated to result in nonsense mediated decay, it is expected to disrupt the last 57 amino acid(s) of the MYO15A protein. This variant is not present in population databases (gnomAD no frequency). This premature translational stop signal has been observed in individual(s) with nonsyndromic deafness (PMID: 33597575, 34265623, 35346193). In at least one individual the data is consistent with being in trans (on the opposite chromosome) from a pathogenic variant. It has also been observed to segregate with disease in related individuals. ClinVar contains an entry for this variant (Variation ID: 1185620). For these reasons, this variant has been classified as Pathogenic.

Women's Health and Genetics/Laboratory Corporation of America, LabCorp
Classification: Pathogenic for Autosomal recessive nonsyndromic hearing loss 3. Last evaluated: 2023-06-12. Review status: criteria provided, single submitter. Criteria: LabCorp Variant Classification Summary - May 2015. Collection method: clinical testing. Allele origin: germline.
Comment: Variant summary: MYO15A c.10419_10423delCAGCT (p.Ser3474ProfsX42) located upstream of the nonsense mediated decay (NMD) region in the penultimate exon 65 results in a premature termination codon in the NMD region and predicted to cause a truncation of the encoded protein or absence of the protein due to nonsense mediated decay, which are commonly known mechanisms for disease. The variant was absent in 247850 control chromosomes. c.10419_10423delCAGCT has been reported in the literature as a compound heterozygous genotype in multiple individuals affected with features of profound Autosomal Recessive Nonsyndromic Hearing Loss 3 (example, Liang_2021, Wang_2021, Wu_2022, Fu_2022). These data indicate that the variant is very likely to be associated with disease. To our knowledge, no experimental evidence demonstrating an impact on protein function has been reported. The following publications have been ascertained in the context of this evaluation (PMID: 35346193, 34265623, 33597575, 35982127). Two clinical diagnostic laboratories have submitted clinical-significance assessments for this variant to ClinVar after 2014 without evidence for independent evaluation. All laboratories classified the variant as pathogenic. Based on the evidence outlined above, the variant was classified as pathogenic.

Juno Genomics, Hangzhou Juno Genomics, Inc
Classification: Pathogenic for Autosomal recessive nonsyndromic hearing loss 3. Review status: criteria provided, single submitter. Criteria: ACMG Guidelines, 2015. Collection method: clinical testing. Allele origin: germline. Affected: yes.
Comment: Absent from controls (or at extremely low frequency if recessive) in Genome Aggregation Database, Exome Sequencing Project, 1000 Genomes Project, or Exome Aggregation Consortium.;Null variant in a gene where loss of function (LOF) is a known mechanism of disease.;For recessive disorders, detected in trans with a pathogenic variant.

Molecular Diagnosis Center for Deafness
Classification: Pathogenic for Autosomal recessive nonsyndromic hearing loss 3. Review status: criteria provided, single submitter. Criteria: ClinGen HL ACMG Specifications v1. Collection method: clinical testing. Allele origin: inherited. Observed: 11 variant alleles.

Deafness Molecular Diagnostic Center, Chinese PLA General Hospital
Classification: Pathogenic for Autosomal recessive nonsyndromic hearing loss 3. Review status: no assertion criteria provided. Criteria: ACMG Guidelines, 2015. Collection method: case-control. Allele origin: paternal. Affected: yes. Not counted in ClinVar's aggregate classification.

Literature cited by the submitters: PubMed 33597575 (cited by Labcorp Genetics (formerly Invitae), Labcorp and Women's Health and Genetics/Laboratory Corporation of America, LabCorp); PubMed 34265623 (cited by Labcorp Genetics (formerly Invitae), Labcorp and Women's Health and Genetics/Laboratory Corporation of America, LabCorp); PubMed 35346193 (cited by Labcorp Genetics (formerly Invitae), Labcorp and Women's Health and Genetics/Laboratory Corporation of America, LabCorp); PubMed 35982127 (cited by Women's Health and Genetics/Laboratory Corporation of America, LabCorp).

NM_016239.4(MYO15A):c.10419_10423del (p.Ser3474fs)

Gene: MYO15A (myosin XVA; plus strand). Cytogenetic location: 17p11.2.
Variant type: Deletion.
Coding change: c.10419_10423del on transcript NM_016239.4 (MANE Select); coding-DNA positions 10419 to 10423, 5 bases deleted (CAGCT; older notation c.10419_10423delCAGCT).
Protein change: p.Ser3474fs; shifts the reading frame from serine 3474.
Molecular consequence: frameshift variant.
Genome position (GRCh38, 1-based): chr17:18,173,849-18,173,853, CAGCT deleted. VCF-style (leftmost placement, unchanged base first): chr17-18173848-CCAGCT-C. GRCh37 (hg19) VCF-style: chr17-18077162-CCAGCT-C.
Other names: c.10419_10423delCAGCT (NM_016239.3, NM_016239.4); short protein forms S3474fs.
Identifiers: ClinVar variation 1185620 (VCV001185620.13), dbSNP rs2142436425, ClinGen allele CA2573054351.